The following is an entry in ClinVar:

ClinVar aggregate classification (germline): Uncertain significance (1 of 4 stars; one submission).

Submission:

Labcorp Genetics (formerly Invitae), Labcorp
Classification: Uncertain significance. Last evaluated: 2022-06-21. Review status: criteria provided, single submitter. Criteria: Invitae Variant Classification Sherloc (09022015). Collection method: clinical testing. Allele origin: germline.
Comment: In summary, the available evidence is currently insufficient to determine the role of this variant in disease. Therefore, it has been classified as a Variant of Uncertain Significance. Algorithms developed to predict the effect of missense changes on protein structure and function output the following: SIFT: "Deleterious"; PolyPhen-2: "Benign"; Align-GVGD: "Class C0". The histidine amino acid residue is found in multiple mammalian species, which suggests that this missense change does not adversely affect protein function. This variant has not been reported in the literature in individuals affected with C2CD3-related conditions. This variant is not present in population databases (gnomAD no frequency). This sequence change replaces glutamine, which is neutral and polar, with histidine, which is basic and polar, at codon 738 of the C2CD3 protein (p.Gln738His).

NM_001286577.2(C2CD3):c.2214A>C (p.Gln738His)

Gene: C2CD3 (C2 domain containing 3 centriole elongation regulator; minus strand). Cytogenetic location: 11q13.4.
Variant type: single nucleotide variant.
Coding change: c.2214A>C on transcript NM_001286577.2 (MANE Select); coding-DNA position 2214, A replaced by C.
Protein change: p.Gln738His; replaces glutamine 738 with histidine.
Molecular consequence: missense variant.
Genome position (GRCh38, 1-based): chr11:74,103,497, T>G on the plus strand (A>C on the coding strand, the complement: C2CD3 is on the minus strand). VCF-style: chr11-74103497-T-G. GRCh37 (hg19) VCF-style: chr11-73814542-T-G.
Other names: c.2214A>C, p.Gln738His (NM_015531.6); short protein forms Q738H.
Identifiers: ClinVar variation 2078854 (VCV002078854.4), dbSNP rs2496449546, ClinGen allele CA381833164.